The following is an entry in ClinVar:

ClinVar aggregate classification (germline): Uncertain significance (1 of 4 stars; one submission).

gnomAD v4.1: 5 of 1,607,874 alleles (0.00031%); highest among the groups gnomAD compares: Admixed American, 0.005%; no homozygotes.

Submission:

Labcorp Genetics (formerly Invitae), Labcorp
Classification: Uncertain significance. Last evaluated: 2025-08-16. Review status: criteria provided, single submitter. Criteria: Invitae Variant Classification Sherloc (09022015). Collection method: clinical testing. Allele origin: germline.
Comment: This sequence change replaces lysine, which is basic and polar, with asparagine, which is neutral and polar, at codon 524 of the LBR protein (p.Lys524Asn). This variant is present in population databases (rs760341951, gnomAD 0.01%). This variant has not been reported in the literature in individuals affected with LBR-related conditions. Invitae Evidence Modeling of protein sequence and biophysical properties (such as structural, functional, and spatial information, amino acid conservation, physicochemical variation, residue mobility, and thermodynamic stability) indicates that this missense variant is not expected to disrupt LBR protein function with a negative predictive value of 80%. In summary, the available evidence is currently insufficient to determine the role of this variant in disease. Therefore, it has been classified as a Variant of Uncertain Significance.

NM_002296.4(LBR):c.1572A>C (p.Lys524Asn)

Gene: LBR (lamin B receptor; minus strand). Cytogenetic location: 1q42.12.
Variant type: single nucleotide variant.
Coding change: c.1572A>C on transcript NM_002296.4 (MANE Select); coding-DNA position 1572, A replaced by C.
Protein change: p.Lys524Asn; replaces lysine 524 with asparagine.
Molecular consequence: missense variant.
Genome position (GRCh38, 1-based): chr1:225,404,519, T>G on the plus strand (A>C on the coding strand, the complement: LBR is on the minus strand). VCF-style: chr1-225404519-T-G. GRCh37 (hg19) VCF-style: chr1-225592221-T-G.
Other names: c.1572A>C, p.Lys524Asn (NM_194442.3); short protein forms K524N.
Identifiers: ClinVar variation 4754288 (VCV004754288.1).